The following is an entry in ClinVar:

NM_002240.5(KCNJ6):c.495A>G (p.Pro165=)

Genes: KCNJ6 (potassium inwardly rectifying channel subfamily J member 6; minus strand), KCNJ6-AS1 (KCNJ6 antisense RNA 1; plus strand). Cytogenetic location: 21q22.13.
Variant type: single nucleotide variant.
Coding change: c.495A>G on transcript NM_002240.5 (MANE Select); coding-DNA position 495, A replaced by G.
Protein change: p.Pro165=; no amino-acid change (proline 165 retained).
Molecular consequence: synonymous variant.
Genome position (GRCh38, 1-based): chr21:37,714,662, T>C on the plus strand (A>G on the coding strand, the complement: KCNJ6 is on the minus strand). VCF-style: chr21-37714662-T-C. GRCh37 (hg19) VCF-style: chr21-39086965-T-C.
Other names: p.Pro165=.
Identifiers: ClinVar variation 1165658 (VCV001165658.15), dbSNP rs2070995, ClinGen allele CA10024311.

ClinVar aggregate classification (germline): Benign. Review status: criteria provided, multiple submitters, no conflicts (2 of 4 stars). 5 submissions from 5 submitters: Benign (5). Last evaluated 2026-02-03.

Conditions:
Keppen-Lubinsky syndrome (KPLBS). Identifiers: Orphanet 435628, MedGen C3279800, MONDO:0013572, OMIM 614098.

Allele frequency attached by ClinVar (database versions not stated): ExAC 0.80665; gnomAD 0.84123 and 0.84554; gnomAD exomes 0.80299 and 0.79026; ESP Exome Variant Server 0.83801; 1000 Genomes Project 0.82328; TOPMed 0.83745; 1000 Genomes Project 30x 0.82636.
gnomAD v4.1: 1,283,085 of 1,613,810 alleles (80%); highest among the groups gnomAD compares: African/African-American, 96%; 512,716 homozygotes.

Submissions (5):

Labcorp Genetics (formerly Invitae), Labcorp
Classification: Benign. Last evaluated: 2026-02-03. Review status: criteria provided, single submitter. Criteria: Invitae Variant Classification Sherloc (09022015). Collection method: clinical testing. Allele origin: germline.

Mayo Clinic Laboratories, Mayo Clinic
Classification: Benign. Last evaluated: 2023-03-23. Review status: criteria provided, single submitter. Criteria: ACMG Guidelines, 2015. Collection method: clinical testing. Allele origin: germline. Observed: 45 variant alleles.
Comment: BA1, BS2, BP4, BP7

Genome-Nilou Lab
Classification: Benign for Keppen-Lubinsky syndrome. Last evaluated: 2021-08-19. Review status: criteria provided, single submitter. Criteria: ACMG Guidelines, 2015. Collection method: clinical testing. Allele origin: germline. Affected: no.

GeneDx
Classification: Benign. Last evaluated: 2021-04-06. Review status: criteria provided, single submitter. Criteria: GeneDx Variant Classification Process June 2021. Collection method: clinical testing. Allele origin: germline. Affected: yes.
Comment: This variant is associated with the following publications: (PMID: 19760098, 19756153, 20220551)

Breakthrough Genomics
Classification: Benign. Review status: criteria provided, single submitter. Criteria: ACMG Guidelines, 2015. Collection method: not provided. Allele origin: germline. Inheritance: Autosomal dominant inheritance. Affected: yes.